The following is an entry in ClinVar:

NM_006059.4(LAMC3):c.809+13_809+19del

Gene: LAMC3 (laminin subunit gamma 3; plus strand). Cytogenetic location: 9q34.12.
Variant type: Microsatellite.
Coding change: c.809+13_809+19del on transcript NM_006059.4 (MANE Select); bases 13 to 19 of the intron after coding-DNA position 809, 7 bases deleted (AGGGAGG; older notation c.809+13_809+19delAGGGAGG).
Molecular consequence: intron variant.
Genome position (GRCh38, 1-based): chr9:131,032,188-131,032,194, AGGGAGG deleted; deleting any 7 consecutive bases within chr9:131,032,178-131,032,194 gives the same sequence; the c. name uses the placement nearest the transcript's 3' end. VCF-style (leftmost placement, unchanged base first): chr9-131032177-TAGGAGGG-T. GRCh37 (hg19) VCF-style: chr9-133907564-TAGGAGGG-T.
Other names: c.809+13_809+19delAGGGAGG (NM_006059.3).
Identifiers: ClinVar variation 517780 (VCV000517780.8), dbSNP rs763259337, ClinGen allele CA5286814.

ClinVar aggregate classification (germline): Likely benign. Review status: criteria provided, multiple submitters, no conflicts (2 of 4 stars). 2 submissions from 2 submitters: Likely benign (2). Last evaluated 2025-11-17.

Submissions (2):

Labcorp Genetics (formerly Invitae), Labcorp
Classification: Likely benign. Last evaluated: 2025-11-17. Review status: criteria provided, single submitter. Criteria: Invitae Variant Classification Sherloc (09022015). Collection method: clinical testing. Allele origin: germline.

GeneDx
Classification: Likely benign. Last evaluated: 2017-03-16. Review status: criteria provided, single submitter. Criteria: GeneDx Variant Classification (06012015). Collection method: clinical testing. Allele origin: germline. Affected: yes.
Comment: This variant is considered likely benign or benign based on one or more of the following criteria: it is a conservative change, it occurs at a poorly conserved position in the protein, it is predicted to be benign by multiple in silico algorithms, and/or has population frequency not consistent with disease.